The following is an entry in ClinVar:

NM_001282531.3(ADNP):c.2180T>C (p.Leu727Pro)

Gene: ADNP (activity dependent neuroprotector homeobox; minus strand). Cytogenetic location: 20q13.13.
Variant type: single nucleotide variant.
Coding change: c.2180T>C on transcript NM_001282531.3 (MANE Select); coding-DNA position 2180, T replaced by C.
Protein change: p.Leu727Pro; replaces leucine 727 with proline.
Molecular consequence: missense variant.
Genome position (GRCh38, 1-based): chr20:50,892,534, A>G on the plus strand (T>C on the coding strand, the complement: ADNP is on the minus strand). VCF-style: chr20-50892534-A-G. GRCh37 (hg19) VCF-style: chr20-49509071-A-G.
Other names: c.2180T>C, p.Leu727Pro (NM_001282532.2, NM_001347511.2, NM_015339.5 and 1 more transcripts); c.2396T>C, p.Leu799Pro (NM_001439000.1); c.1496T>C, p.Leu499Pro (NM_001439001.1); short protein forms L499P, L727P, L799P.
Identifiers: ClinVar variation 5036950 (VCV005036950.1).

ClinVar aggregate classification (germline): Uncertain significance (1 of 4 stars; one submission).

gnomAD v4.1: 1 of 1,614,206 alleles (0.000062%); highest among the groups gnomAD compares: Non-Finnish European, 0.000085%; no homozygotes.

Submission:

GeneDx
Classification: Uncertain significance. Last evaluated: 2026-04-01. Review status: criteria provided, single submitter. Criteria: GeneDx Variant Classification Process June 2021. Collection method: clinical testing. Allele origin: germline.
Comment: Not observed at significant frequency in large population cohorts (gnomAD); In silico analysis suggests that this missense variant does not alter protein structure/function; Has not been previously published as pathogenic or benign to our knowledge